The following is an entry in ClinVar:

ClinVar aggregate classification (germline): Conflicting classifications of pathogenicity. Review status: criteria provided, conflicting classifications (1 of 4 stars). 3 submissions from 3 submitters: Uncertain significance (2); Likely benign (1). Last evaluated 2024-11-06.

Conditions:
Inborn genetic diseases. Identifiers: MedGen C0950123, MeSH D030342.

Allele frequency attached by ClinVar (database versions not stated): ExAC 0.00002; TOPMed 0.00007.
gnomAD v4.1: 25 of 1,563,426 alleles (0.0016%); highest among the groups gnomAD compares: African/African-American, 0.02%; no homozygotes.

Submissions (3):

Labcorp Genetics (formerly Invitae), Labcorp
Classification: Uncertain significance. Last evaluated: 2024-11-06. Review status: criteria provided, single submitter. Criteria: Invitae Variant Classification Sherloc (09022015). Collection method: clinical testing. Allele origin: germline.
Comment: This sequence change replaces valine, which is neutral and non-polar, with isoleucine, which is neutral and non-polar, at codon 5457 of the ADGRV1 protein (p.Val5457Ile). This variant is present in population databases (rs765496324, gnomAD 0.02%). This variant has not been reported in the literature in individuals affected with ADGRV1-related conditions. ClinVar contains an entry for this variant (Variation ID: 1437838). An algorithm developed to predict the effect of missense changes on protein structure and function outputs the following: PolyPhen-2: "Benign". The isoleucine amino acid residue is found in multiple mammalian species, which suggests that this missense change does not adversely affect protein function. In summary, the available evidence is currently insufficient to determine the role of this variant in disease. Therefore, it has been classified as a Variant of Uncertain Significance.

Blueprint Genetics
Classification: Uncertain significance. Last evaluated: 2023-06-06. Review status: criteria provided, single submitter. Criteria: ACMG Guidelines, 2015. Collection method: clinical testing. Allele origin: germline.

Ambry Genetics
Classification: Likely benign for Inborn genetic diseases. Last evaluated: 2021-09-27. Review status: criteria provided, single submitter. Criteria: Ambry Variant Classification Scheme 2023. Collection method: clinical testing. Allele origin: germline.

NM_032119.4(ADGRV1):c.16369G>A (p.Val5457Ile)

Gene: ADGRV1 (adhesion G protein-coupled receptor V1; plus strand). Cytogenetic location: 5q14.3.
Variant type: single nucleotide variant.
Coding change: c.16369G>A on transcript NM_032119.4 (MANE Select); coding-DNA position 16369, G replaced by A.
Protein change: p.Val5457Ile; replaces valine 5457 with isoleucine.
Molecular consequence: missense variant. On other transcripts: non-coding transcript variant (1).
Genome position (GRCh38, 1-based): chr5:90,828,944, G>A. VCF-style: chr5-90828944-G-A. GRCh37 (hg19) VCF-style: chr5-90124761-G-A.
Other names: c.16369G>A (NM_032119.3); short protein forms V5457I.
Identifiers: ClinVar variation 1437838 (VCV001437838.6), dbSNP rs765496324, ClinGen allele CA3342144.